The following is an entry in ClinVar:

NM_001943.5(DSG2):c.2853G>A (p.Val951=)

Genes: DSG2 (desmoglein 2; plus strand), DSG2-AS1 (DSG2 antisense RNA 1; minus strand). Cytogenetic location: 18q12.1.
Variant type: single nucleotide variant.
Coding change: c.2853G>A on transcript NM_001943.5 (MANE Select); coding-DNA position 2853, G replaced by A.
Protein change: p.Val951=; no amino-acid change (valine 951 retained).
Molecular consequence: synonymous variant.
Genome position (GRCh38, 1-based): chr18:31,546,239, G>A. VCF-style: chr18-31546239-G-A. GRCh37 (hg19) VCF-style: chr18-29126202-G-A.
Identifiers: ClinVar variation 695392 (VCV000695392.50), dbSNP rs775759794, ClinGen allele CA047337.

ClinVar aggregate classification (germline): Likely benign. Review status: criteria provided, multiple submitters, no conflicts (2 of 4 stars). 6 submissions from 6 submitters: Likely benign (6). Last evaluated 2025-12-14.

Conditions:
Cardiovascular phenotype. Identifiers: MedGen CN230736.
Arrhythmogenic right ventricular cardiomyopathy (ARVD). Also called: Arrhythmogenic cardiomyopathy; Cardiomyopathy, ARVC; Arrhythmogenic right ventricular dysplasia; Arrhythmogenic Right Ventricular Cardiomyopathy (ARVC). Identifiers: Orphanet 247, MedGen C0349788, MeSH D019571, MONDO:0016587. Disease mechanism: loss of function. Inheritance: Various modes of inheritance.
Cardiomyopathy (CMYO). Also called: Cardiomyopathies. Identifiers: Orphanet 167848, MedGen C0878544, MONDO:0004994, HP:0001638. Inheritance: Various modes of inheritance.
Arrhythmogenic right ventricular dysplasia 10. Also called: Arrhythmogenic Right Ventricular Dysplasia/Cardiomyopathy10; Arrhythmogenic right ventricular dysplasia/cardiomyopathy, type 10; ARRHYTHMOGENIC RIGHT VENTRICULAR DYSPLASIA, FAMILIAL, 10. Identifiers: MedGen C1857777, MONDO:0012434, OMIM 610193.

Allele frequency attached by ClinVar (database versions not stated): gnomAD 0.00002 and 0.00003; TOPMed 0.00004; gnomAD exomes 0.00005 and 0.00008; ExAC 0.00006.
gnomAD v4.1: 86 of 1,608,918 alleles (0.0053%); highest among the groups gnomAD compares: South Asian, 0.011%; no homozygotes.

Submissions (6):

Labcorp Genetics (formerly Invitae), Labcorp
Classification: Likely benign for Arrhythmogenic right ventricular dysplasia 10. Last evaluated: 2025-12-14. Review status: criteria provided, single submitter. Criteria: Invitae Variant Classification Sherloc (09022015). Collection method: clinical testing. Allele origin: germline.

Blueprint Genetics
Classification: Likely benign. Last evaluated: 2024-03-28. Review status: criteria provided, single submitter. Criteria: ACMG Guidelines, 2015. Collection method: clinical testing. Allele origin: germline.

CeGaT Center for Human Genetics Tuebingen
Classification: Likely benign. Last evaluated: 2024-02-01. Review status: criteria provided, single submitter. Criteria: CeGaT Center For Human Genetics Tuebingen Variant Classification Criteria Version 2. Collection method: clinical testing. Allele origin: germline. Affected: yes. Observed: 4 variant alleles.
Comment: DSG2: BP4, BP7

All of Us Research Program, National Institutes of Health
Classification: Likely benign for Arrhythmogenic right ventricular cardiomyopathy. Last evaluated: 2023-11-30. Review status: criteria provided, single submitter. Criteria: ACMG Guidelines, 2015. Collection method: clinical testing. Allele origin: germline. Inheritance: Autosomal dominant inheritance. Observed: 13 variant alleles, 13 heterozygotes.
Comment: This study involves interpretation of variants in research participants for the purpose of population health screening. Participant phenotype was not available at the time of variant classification. Additional details can be found in publication PMID: 35346344, PMCID: PMC8962531

Ambry Genetics
Classification: Likely benign for Cardiovascular phenotype. Last evaluated: 2022-04-25. Review status: criteria provided, single submitter. Criteria: Ambry Variant Classification Scheme 2023. Collection method: clinical testing. Allele origin: germline.

Color Diagnostics, LLC DBA Color Health
Classification: Likely benign for Cardiomyopathy. Last evaluated: 2018-12-31. Review status: criteria provided, single submitter. Criteria: ACMG Guidelines, 2015. Collection method: clinical testing. Allele origin: germline.